The following is an entry in ClinVar:

ClinVar aggregate classification (germline): Uncertain significance (1 of 4 stars; one submission).

Conditions:
Carnitine palmitoyl transferase 1A deficiency. Also called: Carnitine palmitoyltransferase 1A deficiency; Carnitine palmitoyltransferase type I deficiency; CPT I DEFICIENCY; CPT DEFICIENCY, HEPATIC, TYPE I; CPT deficiency, hepatic, type IA. Identifiers: Orphanet 156, MedGen C1829703, MONDO:0009705, OMIM 255120.

Allele frequency attached by ClinVar (database versions not stated): ExAC 0.00001; gnomAD 0.00001.
gnomAD v4.1: 6 of 1,613,914 alleles (0.00037%); highest among the groups gnomAD compares: African/African-American, 0.0027%; no homozygotes.

Submission:

Labcorp Genetics (formerly Invitae), Labcorp
Classification: Uncertain significance for Carnitine palmitoyl transferase 1A deficiency. Last evaluated: 2024-07-22. Review status: criteria provided, single submitter. Criteria: Invitae Variant Classification Sherloc (09022015). Collection method: clinical testing. Allele origin: germline.
Comment: This sequence change replaces arginine, which is basic and polar, with cysteine, which is neutral and slightly polar, at codon 655 of the CPT1A protein (p.Arg655Cys). This variant is present in population databases (rs763042338, gnomAD 0.0009%). This variant has not been reported in the literature in individuals affected with CPT1A-related conditions. ClinVar contains an entry for this variant (Variation ID: 2188452). Advanced modeling of protein sequence and biophysical properties (such as structural, functional, and spatial information, amino acid conservation, physicochemical variation, residue mobility, and thermodynamic stability) performed at Invitae indicates that this missense variant is expected to disrupt CPT1A protein function with a positive predictive value of 95%. In summary, the available evidence is currently insufficient to determine the role of this variant in disease. Therefore, it has been classified as a Variant of Uncertain Significance.

NM_001876.4(CPT1A):c.1963C>T (p.Arg655Cys)

Gene: CPT1A (carnitine palmitoyltransferase 1A; minus strand). Cytogenetic location: 11q13.3.
Variant type: single nucleotide variant.
Coding change: c.1963C>T on transcript NM_001876.4 (MANE Select); coding-DNA position 1963, C replaced by T.
Protein change: p.Arg655Cys; replaces arginine 655 with cysteine.
Molecular consequence: missense variant.
Genome position (GRCh38, 1-based): chr11:68,761,600, G>A on the plus strand (C>T on the coding strand, the complement: CPT1A is on the minus strand). VCF-style: chr11-68761600-G-A. GRCh37 (hg19) VCF-style: chr11-68529068-G-A.
Other names: c.1963C>T, p.Arg655Cys (NM_001031847.3); short protein forms R655C.
Identifiers: ClinVar variation 2188452 (VCV002188452.2), dbSNP rs763042338, ClinGen allele CA6152140.
Genomic context (GRCh38, chr11:68,761,600, plus strand): 5'-TAAGGAAAGGGGACTCCACAGCGAGATATTTAGACACCACGTAAAGGCAGAAGAGGTGAC[G>A]ATCGATCCCAGAGCCGGTCATGGCGAGGCGATACATATGCTGATGCTTCTCAGACGCCAA-3'
Protein context (NP_001867.2, residues 645-665): RLAMTGSGID[Arg655Cys]HLFCLYVVSK